The following is an entry in ClinVar:

ClinVar aggregate classification (germline): Benign/Likely benign. Review status: criteria provided, multiple submitters, no conflicts (2 of 4 stars). 2 submissions from 2 submitters: Benign (1); Likely benign (1). Last evaluated 2024-07-08.

Conditions:
Oligodontia-cancer predisposition syndrome. Also called: TOOTH AGENESIS-COLORECTAL CANCER SYNDROME. Identifiers: Orphanet 300576, MedGen C1837750, MONDO:0012075, OMIM 608615. Disease mechanism: loss of function.

Allele frequency attached by ClinVar (database versions not stated): TOPMed below 0.00001.

Submissions (2):

Myriad Genetics, Inc.
Classification: Benign for Oligodontia-cancer predisposition syndrome. Last evaluated: 2024-07-08. Review status: criteria provided, single submitter. Criteria: Myriad Autosomal Dominant, Autosomal Recessive and X-Linked Classification Criteria (2023). Collection method: clinical testing. Allele origin: unknown.
Comment: This variant is considered benign. This variant is a silent/synonymous amino acid change and it is not expected to impact splicing.

Labcorp Genetics (formerly Invitae), Labcorp
Classification: Likely benign for Oligodontia-cancer predisposition syndrome. Last evaluated: 2023-07-10. Review status: criteria provided, single submitter. Criteria: Invitae Variant Classification Sherloc (09022015). Collection method: clinical testing. Allele origin: germline.

NM_004655.4(AXIN2):c.1740A>G (p.Lys580=)

Gene: AXIN2 (axin 2; minus strand). Cytogenetic location: 17q24.1.
Variant type: single nucleotide variant.
Coding change: c.1740A>G on transcript NM_004655.4 (MANE Select); coding-DNA position 1740, A replaced by G.
Protein change: p.Lys580=; no amino-acid change (lysine 580 retained).
Molecular consequence: synonymous variant. On other transcripts: intron variant (1).
Genome position (GRCh38, 1-based): chr17:65,537,036, T>C on the plus strand (A>G on the coding strand, the complement: AXIN2 is on the minus strand). VCF-style: chr17-65537036-T-C. GRCh37 (hg19) VCF-style: chr17-63533154-T-C.
Other names: c.1712+288A>G (NM_001363813.1).
Identifiers: ClinVar variation 1566578 (VCV001566578.9), dbSNP rs2043936895, ClinGen allele CA501691191.